The following is an entry in ClinVar:

NM_020778.5(ALPK3):c.1082T>C (p.Val361Ala)

Gene: ALPK3 (alpha kinase 3; plus strand). Cytogenetic location: 15q25.3.
Variant type: single nucleotide variant.
Coding change: c.1082T>C on transcript NM_020778.5 (MANE Select); coding-DNA position 1082, T replaced by C.
Protein change: p.Val361Ala; replaces valine 361 with alanine.
Molecular consequence: missense variant.
Genome position (GRCh38, 1-based): chr15:84,840,361, T>C. VCF-style: chr15-84840361-T-C. GRCh37 (hg19) VCF-style: chr15-85383592-T-C.
Other names: short protein forms V361A.
Identifiers: ClinVar variation 3693510 (VCV003693510.2).
Genomic context (GRCh38, chr15:84,840,361, plus strand): 5'-CTTCAGAAAACTGCATCCCCAGCTCAGACGAGCCTGACTCCTGTGGGACTCAGGGGCCCG[T>C]GGGCGTGGAGCAGGTTCAGACCCAGCCCAGAGGCAGGGCTGCACGGGGGCCTGGGTCCTC-3'
Protein context (NP_065829.4, residues 351-371): EPDSCGTQGP[Val361Ala]GVEQVQTQPR

ClinVar aggregate classification (germline): Uncertain significance (1 of 4 stars; one submission).

Submission:

Labcorp Genetics (formerly Invitae), Labcorp
Classification: Uncertain significance. Last evaluated: 2024-03-02. Review status: criteria provided, single submitter. Criteria: Invitae Variant Classification Sherloc (09022015). Collection method: clinical testing. Allele origin: germline.
Comment: This sequence change replaces valine, which is neutral and non-polar, with alanine, which is neutral and non-polar, at codon 563 of the ALPK3 protein (p.Val563Ala). This variant is not present in population databases (gnomAD no frequency). This variant has not been reported in the literature in individuals affected with ALPK3-related conditions. Advanced modeling of protein sequence and biophysical properties (such as structural, functional, and spatial information, amino acid conservation, physicochemical variation, residue mobility, and thermodynamic stability) performed at Invitae indicates that this missense variant is not expected to disrupt ALPK3 protein function with a negative predictive value of 80%. In summary, the available evidence is currently insufficient to determine the role of this variant in disease. Therefore, it has been classified as a Variant of Uncertain Significance.